The following is an entry in ClinVar:

NM_016438.4(HIGD1B):c.283G>A (p.Asp95Asn)

Genes: EFTUD2 (elongation factor Tu GTP binding domain containing 2; minus strand), HIGD1B (HIG1 hypoxia inducible domain family member 1B; plus strand). Cytogenetic location: 17q21.31.
Variant type: single nucleotide variant.
Coding change: c.283G>A on transcript NM_016438.4 (MANE Select); coding-DNA position 283, G replaced by A.
Protein change: p.Asp95Asn; replaces aspartic acid 95 with asparagine.
Molecular consequence: missense variant. On other transcripts: non-coding transcript variant (1), 3 prime UTR variant (4).
Genome position (GRCh38, 1-based): chr17:44,850,379, G>A. VCF-style: chr17-44850379-G-A. GRCh37 (hg19) VCF-style: chr17-42927747-G-A.
Other names: c.283G>A, p.Asp95Asn (NM_001271880.2); c.*895C>T (NM_001142605.2, NM_001258353.2, NM_001258354.2 and 1 more transcripts); short protein forms D95N.
Identifiers: ClinVar variation 4681368 (VCV004681368.5).

ClinVar aggregate classification (germline): Likely benign (1 of 4 stars; one submission).

gnomAD v4.1: 1,033 of 1,613,124 alleles (0.064%); highest among the groups gnomAD compares: African/African-American, 1.3%; 6 homozygotes.

Submission:

CeGaT Center for Human Genetics Tuebingen
Classification: Likely benign. Last evaluated: 2026-03-01. Review status: criteria provided, single submitter. Criteria: CeGaT Center For Human Genetics Tuebingen Variant Classification Criteria Version 2. Collection method: clinical testing. Allele origin: germline. Affected: yes. Observed: 2 variant alleles.
Comment: HIGD1B: BP4, BS1